The following is an entry in ClinVar:

NM_015346.4(ZFYVE26):c.3314_3315delinsTTTCCTACCTTGA (p.Thr1105fs)

Gene: ZFYVE26 (zinc finger FYVE-type containing 26; minus strand). Cytogenetic location: 14q24.1.
Variant type: Indel.
Coding change: c.3314_3315delinsTTTCCTACCTTGA on transcript NM_015346.4 (MANE Select); coding-DNA positions 3314 to 3315, CT replaced by TTTCCTACCTTGA.
Protein change: p.Thr1105fs; shifts the reading frame from threonine 1105.
Molecular consequence: frameshift variant.
Genome position (GRCh38, 1-based): chr14:67,785,267-67,785,268, AG replaced by TCAAGGTAGGAAA on the plus strand (CT replaced by TTTCCTACCTTGA on the coding strand, the reverse complement: ZFYVE26 is on the minus strand). VCF-style: chr14-67785267-AG-TCAAGGTAGGAAA. GRCh37 (hg19) VCF-style: chr14-68251984-AG-TCAAGGTAGGAAA.
Other names: short protein forms T1105fs.
Identifiers: ClinVar variation 1724547 (VCV001724547.2), dbSNP rs2502814515, ClinGen allele CA2580088616.
Genomic context (GRCh38, chr14:67,785,267, plus strand): 5'-GTGGGCCTCTGCCTCTGGAGCTTTCTGGGCTGCCTGCTCCACCAGGGAAGACAGTGGAGG[AG>TCAAGGTAGGAAA]TCCTGGGCTCTGAGAGGAGGATGGCAGGAGAAAGGACACAGGCTTCAGTCTGTGAGTCCA-3'

ClinVar aggregate classification (germline): Likely pathogenic (1 of 4 stars; one submission).

Conditions:
Hereditary spastic paraplegia 15 (SPG15). Also called: SPASTIC PARAPLEGIA 15, AUTOSOMAL RECESSIVE; KJELLIN SYNDROME; SPASTIC PARAPLEGIA AND RETINAL DEGENERATION. Identifiers: Orphanet 100996, MedGen C1849128, MONDO:0010044, OMIM 270700.

Submission:

Myriad Genetics, Inc.
Classification: Likely pathogenic for Hereditary spastic paraplegia 15. Last evaluated: 2022-02-19. Review status: criteria provided, single submitter. Criteria: Myriad Women's Health Autosomal Recessive and X-Linked Classification Criteria (2021). Collection method: clinical testing. Allele origin: unknown.
Comment: NM_015346.3(ZFYVE26):c.3314_3315del2ins13(T1105Ifs*70) is expected to be pathogenic in the context of spastic paraplegia type 15. This variant is predicted to lead to an abnormal or absent protein product due to the creation of a premature termination codon in ZFYVE26, a gene where loss-of-function variants are known to be pathogenic. Please note: this variant was assessed in the context of healthy population screening.